The following is an entry in ClinVar:

NM_001105247.2(ARMC5):c.1724_1753delinsAT (p.Cys575fs)

Gene: ARMC5 (armadillo repeat containing 5; plus strand). Cytogenetic location: 16p11.2.
Variant type: Indel.
Coding change: c.1724_1753delinsAT on transcript NM_001105247.2 (MANE Select); coding-DNA positions 1724 to 1753, GCAACCCTGCCTGCCTCGAGGCCTTCGTGC replaced by AT.
Protein change: p.Cys575fs; shifts the reading frame from cysteine 575.
Molecular consequence: frameshift variant.
Genome position (GRCh38, 1-based): chr16:31,464,747-31,464,776, GCAACCCTGCCTGCCTCGAGGCCTTCGTGC replaced by AT. VCF-style: chr16-31464747-GCAACCCTGCCTGCCTCGAGGCCTTCGTGC-AT. GRCh37 (hg19) VCF-style: chr16-31476068-GCAACCCTGCCTGCCTCGAGGCCTTCGTGC-AT.
Other names: c.2009_2038delinsAT, p.Cys670fs (NM_001288767.2); c.1820_1849delinsAT, p.Cys607fs (NM_001301820.1); c.1724_1753delinsAT, p.Cys575fs (NM_024742.2); short protein forms C575fs, C607fs, C670fs.
Identifiers: ClinVar variation 1162263 (VCV001162263.3), dbSNP rs2142575218, ClinGen allele CA2499223511.

ClinVar aggregate classification (germline): Likely pathogenic (1 of 4 stars; one submission).

Conditions:
Cushing syndrome due to macronodular adrenal hyperplasia. Identifiers: Orphanet 189427, MedGen C2062388, MONDO:0009049.

Submission:

Department of Hematologic Diagnostics and Genetics, Jagiellonian University Hospital in Krakow
Classification: Likely pathogenic for Cushing syndrome due to macronodular adrenal hyperplasia. Last evaluated: 2021-06-04. Review status: criteria provided, single submitter. Criteria: ACMG Guidelines, 2015. Collection method: clinical testing. Allele origin: germline. Inheritance: Autosomal dominant inheritance. Affected: yes. Observed: 1 variant allele, 1 heterozygote.
Comment: Null variant (frame-shift), in gene ARMC5, for which loss-of-function is a known mechanism of disease (gene has 8 pathogenic LOF variants and gnomAD Loss-of-Function Observed/Expected = 0.262 is less than 0.763), associated with ACTH-independent macronodular adrenal hyperplasia 2. Variant not found in gnomAD exomes (good gnomAD exomes coverage = 63.1). Variant not found in gnomAD genomes (good gnomAD genomes coverage = 31.0). Pathogenic computational verdict based on 1 pathogenic prediction from phyloP vs no benign predictions.

Literature cited by the submitters: DOI 10.3389/fendo.2020.00036.